The following is an entry in ClinVar:

NM_000255.4(MMUT):c.1417G>T (p.Ala473Ser)

Gene: MMUT (methylmalonyl-CoA mutase; minus strand). Cytogenetic location: 6p12.3.
Variant type: single nucleotide variant.
Coding change: c.1417G>T on transcript NM_000255.4 (MANE Select); coding-DNA position 1417, G replaced by T.
Protein change: p.Ala473Ser; replaces alanine 473 with serine.
Molecular consequence: missense variant.
Genome position (GRCh38, 1-based): chr6:49,448,843, C>A on the plus strand (G>T on the coding strand, the complement: MMUT is on the minus strand). VCF-style: chr6-49448843-C-A. GRCh37 (hg19) VCF-style: chr6-49416556-C-A.
Other names: short protein forms A473S.
Identifiers: ClinVar variation 444683 (VCV000444683.57), dbSNP rs188766510, ClinGen allele CA3846887.

ClinVar aggregate classification (germline): Conflicting classifications of pathogenicity. Review status: criteria provided, conflicting classifications (1 of 4 stars). 6 submissions from 6 submitters: Uncertain significance (5); Likely benign (1). Last evaluated 2026-01-28.

Conditions:
Methylmalonic aciduria due to methylmalonyl-CoA mutase deficiency (MAMM). Also called: Methylmalonic aciduria, mut type. Identifiers: Orphanet 27, MedGen C1855114, MONDO:0009612, OMIM 251000.

Allele frequency attached by ClinVar (database versions not stated): gnomAD exomes 0.00014 and 0.00019; ExAC 0.00015; ESP Exome Variant Server 0.00015; TOPMed 0.00029; gnomAD 0.00033; 1000 Genomes Project 0.00040; 1000 Genomes Project 30x 0.00047.
gnomAD v4.1: 260 of 1,613,372 alleles (0.016%); highest among the groups gnomAD compares: Admixed American, 0.09%; no homozygotes.

Submissions (6):

Labcorp Genetics (formerly Invitae), Labcorp
Classification: Likely benign. Last evaluated: 2026-01-28. Review status: criteria provided, single submitter. Criteria: Invitae Variant Classification Sherloc (09022015). Collection method: clinical testing. Allele origin: germline.

Ambry Genetics
Classification: Uncertain significance. Last evaluated: 2025-09-28. Review status: criteria provided, single submitter. Criteria: Ambry Variant Classification Scheme 2023. Collection method: clinical testing. Allele origin: germline.

GeneDx
Classification: Uncertain significance. Last evaluated: 2021-12-15. Review status: criteria provided, single submitter. Criteria: GeneDx Variant Classification Process June 2021. Collection method: clinical testing. Allele origin: germline. Affected: yes.
Comment: In silico analysis supports that this missense variant has a deleterious effect on protein structure/function; Has not been previously published as pathogenic or benign to our knowledge

Fulgent Genetics
Classification: Uncertain significance for Methylmalonic aciduria due to methylmalonyl-CoA mutase deficiency. Last evaluated: 2018-10-31. Review status: criteria provided, single submitter. Criteria: ACMG Guidelines, 2015. Collection method: clinical testing. Allele origin: unknown.

CeGaT Center for Human Genetics Tuebingen
Classification: Uncertain significance. Last evaluated: 2017-03-01. Review status: criteria provided, single submitter. Criteria: CeGaT Center For Human Genetics Tuebingen Variant Classification Criteria Version 2. Collection method: clinical testing. Allele origin: germline. Affected: yes. Observed: 1 variant allele.

Juno Genomics, Hangzhou Juno Genomics, Inc
Classification: Uncertain significance for Methylmalonic aciduria due to methylmalonyl-CoA mutase deficiency. Review status: criteria provided, single submitter. Criteria: ACMG Guidelines, 2015. Collection method: clinical testing. Allele origin: germline.
Comment: Absent from controls (or at extremely low frequency if recessive) in Genome Aggregation Database.;Multiple lines of computational evidence support a deleterious effect on the gene or gene product.